The following is an entry in ClinVar:

ClinVar aggregate classification (germline): Uncertain significance (1 of 4 stars; one submission).

Submission:

Labcorp Genetics (formerly Invitae), Labcorp
Classification: Uncertain significance. Last evaluated: 2021-06-12. Review status: criteria provided, single submitter. Criteria: Invitae Variant Classification Sherloc (09022015). Collection method: clinical testing. Allele origin: germline.
Comment: In summary, the available evidence is currently insufficient to determine the role of this variant in disease. Therefore, it has been classified as a Variant of Uncertain Significance. Experimental studies and prediction algorithms are not available or were not evaluated, and the functional significance of this variant is currently unknown. This variant has not been reported in the literature in individuals with HELLS-related conditions. The frequency data for this variant in the population databases is not available, as this variant may be reported as separate entries in the ExAC database. This sequence change replaces proline with serine at codon 471 of the HELLS protein (p.Pro471Ser). The proline residue is highly conserved and there is a moderate physicochemical difference between proline and serine.

NM_018063.5(HELLS):c.1410_1411delinsCT (p.Pro471Ser)

Gene: HELLS (helicase, lymphoid specific; plus strand). Cytogenetic location: 10q23.33.
Variant type: Indel.
Coding change: c.1410_1411delinsCT on transcript NM_018063.5 (MANE Select); coding-DNA positions 1410 to 1411, TC replaced by CT.
Protein change: p.Pro471Ser; replaces proline 471 with serine.
Molecular consequence: missense variant.
Genome position (GRCh38, 1-based): chr10:94,588,312-94,588,313, TC replaced by CT. VCF-style: chr10-94588312-TC-CT. GRCh37 (hg19) VCF-style: chr10-96348069-TC-CT.
Other names: c.1548_1549delinsCT, p.Pro517Ser (NM_001289067.2); c.1362_1363delinsCT, p.Pro455Ser (NM_001289068.2); c.1314_1315delinsCT, p.Pro439Ser (NM_001289069.2); c.1116_1117delinsCT, p.Pro373Ser (NM_001289070.2); c.1038_1039delinsCT, p.Pro347Ser (NM_001289071.2); c.1020_1021delinsCT, p.Pro341Ser (NM_001289072.2); c.996_997delinsCT, p.Pro333Ser (NM_001289073.2); c.327_328delinsCT, p.Pro110Ser (NM_001289074.2); and 1 more; short protein forms P373S, P439S, P471S, P517S, P65S, P333S, P455S, P110S.
Identifiers: ClinVar variation 1397985 (VCV001397985.6), dbSNP rs2134099684, ClinGen allele CA2573145881.